The following is an entry in ClinVar:

NM_182961.4(SYNE1):c.21072G>A (p.Trp7024Ter)

Gene: SYNE1 (spectrin repeat containing nuclear envelope protein 1; minus strand). Cytogenetic location: 6q25.2.
Variant type: single nucleotide variant.
Coding change: c.21072G>A on transcript NM_182961.4 (MANE Select); coding-DNA position 21072, G replaced by A.
Protein change: p.Trp7024Ter; replaces tryptophan 7024 with a stop codon.
Molecular consequence: nonsense.
Genome position (GRCh38, 1-based): chr6:152,230,670, C>T on the plus strand (G>A on the coding strand, the complement: SYNE1 is on the minus strand). VCF-style: chr6-152230670-C-T. GRCh37 (hg19) VCF-style: chr6-152551805-C-T.
Other names: c.20859G>A, p.Trp6953Ter (NM_033071.5); short protein forms W6953*, W7024*.
Identifiers: ClinVar variation 2092074 (VCV002092074.4), dbSNP rs2551617809, ClinGen allele CA366112945.

ClinVar aggregate classification (germline): Pathogenic (1 of 4 stars; one submission).

Conditions:
Emery-Dreifuss muscular dystrophy 4, autosomal dominant (EDMD4). Also called: EMERY-DREIFUSS MUSCULAR DYSTROPHY 4 WITH VARIABLE FEATURES. Identifiers: Orphanet 261, MedGen C2751807, MONDO:0013071, OMIM 612998.
Autosomal recessive ataxia, Beauce type. Also called: SYNE1 Deficiency; Spinocerebellar ataxia, autosomal recessive 8; ATAXIA, RECESSIVE, OF BEAUCE; SYNE1-Related Autosomal Recessive Cerebellar Ataxia. Identifiers: Orphanet 88644, MedGen C1853116, MONDO:0012549, OMIM 610743.

Submission:

Labcorp Genetics (formerly Invitae), Labcorp
Classification: Pathogenic for Emery-Dreifuss muscular dystrophy 4, autosomal dominant; Autosomal recessive ataxia, Beauce type. Last evaluated: 2022-08-16. Review status: criteria provided, single submitter. Criteria: Invitae Variant Classification Sherloc (09022015). Collection method: clinical testing. Allele origin: germline.
Comment: For these reasons, this variant has been classified as Pathogenic. This variant has not been reported in the literature in individuals affected with SYNE1-related conditions. This variant is not present in population databases (gnomAD no frequency). This sequence change creates a premature translational stop signal (p.Trp6953*) in the SYNE1 gene. It is expected to result in an absent or disrupted protein product. Loss-of-function variants in SYNE1 are known to be pathogenic (PMID: 19542096, 24319099, 27086870).

Literature cited by the submitters: PubMed 19542096; PubMed 24319099; PubMed 27086870.